The following is an entry in ClinVar:

NM_133510.4(RAD51B):c.814G>C (p.Asp272His)

Gene: RAD51B (RAD51 paralog B; plus strand). Cytogenetic location: 14q24.1.
Variant type: single nucleotide variant.
Coding change: c.814G>C on transcript NM_133510.4 (MANE Select); coding-DNA position 814, G replaced by C.
Protein change: p.Asp272His; replaces aspartic acid 272 with histidine.
Molecular consequence: missense variant.
Genome position (GRCh38, 1-based): chr14:68,291,941, G>C. VCF-style: chr14-68291941-G-C. GRCh37 (hg19) VCF-style: chr14-68758658-G-C.
Other names: c.814G>C, p.Asp272His (NM_001321809.2, NM_001321810.2, NM_001321812.1 and 6 more transcripts); c.700G>C, p.Asp234His (NM_001321815.1); c.457G>C, p.Asp153His (NM_001321817.2); short protein forms D153H, D234H, D272H.
Identifiers: ClinVar variation 4862903 (VCV004862903.1).
Genomic context (GRCh38, chr14:68,291,941, plus strand): 5'-CAGGTTATCTTGACGAATCAGATTACAACCCATCTGAGTGGAGCCCTGGCTTCTCAGGCA[G>C]ACCTGGTGTCTCCAGCTGATGATTTGTCCCTGTCTGAAGGTAAGGAATCTGTCCTGGAGA-3'
Protein context (NP_598194.1, residues 262-282): HLSGALASQA[Asp272His]LVSPADDLSL

ClinVar aggregate classification (germline): Uncertain significance (1 of 4 stars; one submission).

Submission:

Ambry Genetics
Classification: Uncertain significance. Last evaluated: 2026-05-03. Review status: criteria provided, single submitter. Criteria: Ambry Variant Classification Scheme 2023. Collection method: clinical testing. Allele origin: germline.
Comment: The p.D272H variant (also known as c.814G>C), located in coding exon 7 of the RAD51B gene, results from a G to C substitution at nucleotide position 814. The aspartic acid at codon 272 is replaced by histidine, an amino acid with similar properties. This amino acid position is conserved. In addition, the in silico prediction for this alteration is inconclusive. Based on the available evidence, the clinical significance of this variant remains unclear.